The following is an entry in ClinVar:

NM_000285.4(PEPD):c.199C>T (p.Gln67Ter)

Gene: PEPD (peptidase D; minus strand). Cytogenetic location: 19q13.11.
Variant type: single nucleotide variant.
Coding change: c.199C>T on transcript NM_000285.4 (MANE Select); coding-DNA position 199, C replaced by T.
Protein change: p.Gln67Ter; replaces glutamine 67 with a stop codon.
Molecular consequence: nonsense.
Genome position (GRCh38, 1-based): chr19:33,512,595, G>A on the plus strand (C>T on the coding strand, the complement: PEPD is on the minus strand). VCF-style: chr19-33512595-G-A. GRCh37 (hg19) VCF-style: chr19-34003501-G-A.
Other names: c.199C>T, p.Gln67Ter (NM_001166056.2, NM_001166057.2); short protein forms Q67*.
Identifiers: ClinVar variation 2853264 (VCV002853264.3), dbSNP rs2513526292, ClinGen allele CA405232854.

ClinVar aggregate classification (germline): Pathogenic (1 of 4 stars; one submission).

Submission:

Labcorp Genetics (formerly Invitae), Labcorp
Classification: Pathogenic. Last evaluated: 2023-04-07. Review status: criteria provided, single submitter. Criteria: Invitae Variant Classification Sherloc (09022015). Collection method: clinical testing. Allele origin: germline.
Comment: For these reasons, this variant has been classified as Pathogenic. This variant has not been reported in the literature in individuals affected with PEPD-related conditions. This variant is not present in population databases (gnomAD no frequency). This sequence change creates a premature translational stop signal (p.Gln67*) in the PEPD gene. It is expected to result in an absent or disrupted protein product. Loss-of-function variants in PEPD are known to be pathogenic (PMID: 8198124, 10721675, 12384772, 17142620).

Literature cited by the submitters: PubMed 8198124; PubMed 10721675; PubMed 12384772; PubMed 17142620.